The following is an entry in ClinVar:

ClinVar aggregate classification (germline): Uncertain significance (1 of 4 stars; one submission).

Submission:

Ambry Genetics
Classification: Uncertain significance. Last evaluated: 2022-03-06. Review status: criteria provided, single submitter. Criteria: Ambry Variant Classification Scheme 2023. Collection method: clinical testing. Allele origin: germline.
Comment: The p.H439R variant (also known as c.1316A>G), located in coding exon 12 of the BUB1 gene, results from an A to G substitution at nucleotide position 1316. The histidine at codon 439 is replaced by arginine, an amino acid with highly similar properties. This amino acid position is conserved. In addition, the in silico prediction for this alteration is inconclusive. Since supporting evidence is limited at this time, the clinical significance of this alteration remains unclear.

NM_004336.5(BUB1):c.1316A>G (p.His439Arg)

Gene: BUB1 (BUB1 mitotic checkpoint serine/threonine kinase; minus strand). Cytogenetic location: 2q13.
Variant type: single nucleotide variant.
Coding change: c.1316A>G on transcript NM_004336.5 (MANE Select); coding-DNA position 1316, A replaced by G.
Protein change: p.His439Arg; replaces histidine 439 with arginine.
Molecular consequence: missense variant.
Genome position (GRCh38, 1-based): chr2:110,658,703, T>C on the plus strand (A>G on the coding strand, the complement: BUB1 is on the minus strand). VCF-style: chr2-110658703-T-C. GRCh37 (hg19) VCF-style: chr2-111416280-T-C.
Other names: c.1256A>G, p.His419Arg (NM_001278616.2); c.1316A>G, p.His439Arg (NM_001278617.2); short protein forms H439R, H419R.
Identifiers: ClinVar variation 1769791 (VCV001769791.2), dbSNP rs1360930512, ClinGen allele CA348212683.